The following is an entry in ClinVar:

ClinVar aggregate classification (germline): Uncertain significance (1 of 4 stars; one submission).

Conditions:
Hereditary cancer-predisposing syndrome. Also called: Neoplastic Syndromes, Hereditary; Tumor predisposition; Hereditary neoplastic syndrome; Hereditary Cancer Syndrome. Identifiers: Orphanet 140162, MedGen C0027672, MeSH D009386, MONDO:0015356.

Submission:

Ambry Genetics
Classification: Uncertain significance for Hereditary cancer-predisposing syndrome. Last evaluated: 2026-07-06. Review status: criteria provided, single submitter. Criteria: Ambry Variant Classification Scheme 2023. Collection method: clinical testing. Allele origin: germline.
Comment: The p.A885G variant (also known as c.2654C>G), located in coding exon 15 of the APC gene, results from a C to G substitution at nucleotide position 2654. The alanine at codon 885 is replaced by glycine, an amino acid with similar properties. This amino acid position is conserved. In addition, in silico predictors for this gene do not accurately predict pathogenicity. Based on the available evidence, the clinical significance of this variant remains unclear.

NM_000038.6(APC):c.2654C>G (p.Ala885Gly)

Gene: APC (APC regulator of Wnt signaling pathway; plus strand). Cytogenetic location: 5q22.2.
Variant type: single nucleotide variant.
Coding change: c.2654C>G on transcript NM_000038.6 (MANE Select); coding-DNA position 2654, C replaced by G.
Protein change: p.Ala885Gly; replaces alanine 885 with glycine.
Molecular consequence: missense variant. On other transcripts: non-coding transcript variant (2).
Genome position (GRCh38, 1-based): chr5:112,838,248, C>G. VCF-style: chr5-112838248-C-G. GRCh37 (hg19) VCF-style: chr5-112173945-C-G.
Other names: c.2477C>G, p.Ala826Gly (NM_001354901.2, NM_001407453.1); c.2381C>G, p.Ala794Gly (NM_001354902.2); c.2351C>G, p.Ala784Gly (NM_001354903.2, NM_001407459.1, NM_001407460.1 and 1 more transcripts); c.2276C>G, p.Ala759Gly (NM_001354904.2); c.2174C>G, p.Ala725Gly (NM_001354905.2); c.1805C>G, p.Ala602Gly (NM_001354906.2, NM_001407470.1); c.2738C>G, p.Ala913Gly (NM_001407446.1); c.2708C>G, p.Ala903Gly (NM_001407447.1, NM_001407448.1, NM_001407449.1 and 1 more transcripts); and 11 more; short protein forms A867G, A875G, A725G, A802G, A895G, A913G, A602G, A756G.
Identifiers: ClinVar variation 5025043 (VCV005025043.1).